The following is an entry in ClinVar:

ClinVar aggregate classification (germline): Uncertain significance (1 of 4 stars; one submission).

Conditions:
Dyskeratosis congenita, autosomal dominant 6 (DKCA6). Identifiers: Orphanet 3322, MedGen C4225284, MONDO:0014690, OMIM 616553.

Submission:

Labcorp Genetics (formerly Invitae), Labcorp
Classification: Uncertain significance for Dyskeratosis congenita, autosomal dominant 6. Last evaluated: 2022-01-13. Review status: criteria provided, single submitter. Criteria: Invitae Variant Classification Sherloc (09022015). Collection method: clinical testing. Allele origin: germline.
Comment: This variant, c.155_157dup, results in the insertion of 1 amino acid(s) of the ACD protein (p.Leu52dup), but otherwise preserves the integrity of the reading frame. This variant is not present in population databases (gnomAD no frequency). This variant has not been reported in the literature in individuals affected with ACD-related conditions. In summary, the available evidence is currently insufficient to determine the role of this variant in disease. Therefore, it has been classified as a Variant of Uncertain Significance.

NC_000016.10:g.67660324AGG[4]

Gene: ACD (ACD shelterin complex subunit and telomerase recruitment factor; minus strand). Cytogenetic location: 16q22.1.
Variant type: Microsatellite.
Genome position: GRCh38 VCF-style: chr16-67660321-C-CGGA. GRCh37 (hg19) VCF-style: chr16-67694224-C-CGGA.
Identifiers: ClinVar variation 2082321 (VCV002082321.4), dbSNP rs1198905942, ClinGen allele CA2580613891.